The following is an entry in ClinVar:

NM_001267550.2(TTN):c.32954G>C (p.Arg10985Pro)

Gene: TTN (titin; minus strand). Cytogenetic location: 2q31.2.
Variant type: single nucleotide variant.
Coding change: c.32954G>C on transcript NM_001267550.2 (MANE Select); coding-DNA position 32954, G replaced by C.
Protein change: p.Arg10985Pro; replaces arginine 10985 with proline.
Molecular consequence: missense variant. On other transcripts: intron variant (3).
Genome position (GRCh38, 1-based): chr2:178,682,837, C>G on the plus strand (G>C on the coding strand, the complement: TTN is on the minus strand). VCF-style: chr2-178682837-C-G. GRCh37 (hg19) VCF-style: chr2-179547564-C-G.
Other names: c.32003G>C, p.Arg10668Pro (NM_001256850.1); c.29222G>C, p.Arg9741Pro (NM_133378.4); c.13283-40520G>C (NM_003319.4); c.13859-40520G>C (NM_133437.4); c.13658-40520G>C (NM_133432.3); short protein forms R10985P, R9741P, R10668P.
Identifiers: ClinVar variation 332887 (VCV000332887.22), dbSNP rs181395238, ClinGen allele CA1998485.

ClinVar aggregate classification (germline): Conflicting classifications of pathogenicity. Review status: criteria provided, conflicting classifications (1 of 4 stars). 9 submissions from 5 submitters: Uncertain significance (3); Benign (4); Likely benign (2). Last evaluated 2026-01-28.

Conditions:
Tibial muscular dystrophy (TMD). Also called: Tibial muscular dystrophy, tardive; UDD MYOPATHY; Udd Distal Myopathy – Tibial Muscular Dystrophy. Identifiers: Orphanet 609, MedGen C1838244, MONDO:0010870, OMIM 600334.
Dilated cardiomyopathy 1G (CMD1G). Identifiers: Orphanet 154, MedGen C1858763, MONDO:0011400, OMIM 604145.
Autosomal recessive limb-girdle muscular dystrophy type 2J (LGMDR10). Also called: Limb-girdle muscular dystrophy, type 2J; MUSCULAR DYSTROPHY, LIMB-GIRDLE, AUTOSOMAL RECESSIVE 10. Identifiers: Orphanet 140922, MedGen C1837342, MONDO:0012127, OMIM 608807.
Early-onset myopathy with fatal cardiomyopathy (CMYO5). Also called: Salih Myopathy; CONGENITAL MYOPATHY 5 WITH CARDIOMYOPATHY. Identifiers: Orphanet 289377, MedGen C2673677, MONDO:0012714, OMIM 611705. Disease mechanism: loss of function.
Myopathy, myofibrillar, 9, with early respiratory failure (MFM9). Also called: Hereditary myopathy with early respiratory failure; Myopathy, distal, with early respiratory failure, autosomal dominant; EDSTROM MYOPATHY; MYOPATHY, PROXIMAL, WITH EARLY RESPIRATORY MUSCLE INVOLVEMENT. Identifiers: Orphanet 178464, Orphanet 34521, MedGen C1863599, MONDO:0011362, OMIM 603689.

Allele frequency attached by ClinVar (database versions not stated): gnomAD 0.00011 and 0.00017; TOPMed 0.00021; 1000 Genomes Project 30x 0.00062; 1000 Genomes Project 0.00080.
gnomAD v4.1: 465 of 1,612,806 alleles (0.029%); highest among the groups gnomAD compares: East Asian, 1%; 1 homozygote.

Submissions (9):

Labcorp Genetics (formerly Invitae), Labcorp
Classification: Benign for Dilated cardiomyopathy 1G; Autosomal recessive limb-girdle muscular dystrophy type 2J. Last evaluated: 2026-01-28. Review status: criteria provided, single submitter. Criteria: Invitae Variant Classification Sherloc (09022015). Collection method: clinical testing. Allele origin: germline.

Blueprint Genetics
Classification: Likely benign. Last evaluated: 2024-10-02. Review status: criteria provided, single submitter. Criteria: ACMG Guidelines, 2015. Collection method: clinical testing. Allele origin: germline.

GeneDx
Classification: Likely benign. Last evaluated: 2019-01-02. Review status: criteria provided, single submitter. Criteria: GeneDx Variant Classification Process June 2021. Collection method: clinical testing. Allele origin: germline. Affected: yes.

Illumina Laboratory Services, Illumina
Classification: Benign for Tibial muscular dystrophy. Last evaluated: 2018-01-12. Review status: criteria provided, single submitter. Criteria: ICSL Variant Classification Criteria 13 December 2019. Collection method: clinical testing. Allele origin: germline.
Comment: This variant was observed in the ICSL laboratory as part of a predisposition screen in an ostensibly healthy population. It had not been previously curated by ICSL or reported in the Human Gene Mutation Database (HGMD: prior to June 1st, 2018), and was therefore a candidate for classification through an automated scoring system. Utilizing variant allele frequency, disease prevalence and penetrance estimates, and inheritance mode, an automated score was calculated to assess if this variant is too frequent to cause the disease. Based on the score and internal cut-off values, a variant classified as benign is not then subjected to further curation. The score for this variant resulted in a classification of benign for this disease.

Illumina Laboratory Services, Illumina
Classification: Uncertain significance for Dilated cardiomyopathy 1G. Last evaluated: 2018-01-12. Review status: criteria provided, single submitter. Criteria: ICSL Variant Classification Criteria 13 December 2019. Collection method: clinical testing. Allele origin: germline.

Illumina Laboratory Services, Illumina
Classification: Benign for Myopathy, myofibrillar, 9, with early respiratory failure. Last evaluated: 2018-01-12. Review status: criteria provided, single submitter. Criteria: ICSL Variant Classification Criteria 13 December 2019. Collection method: clinical testing. Allele origin: germline.
Comment: the same text as in the submission from Illumina Laboratory Services, Illumina above.

Illumina Laboratory Services, Illumina
Classification: Uncertain significance for Autosomal recessive limb-girdle muscular dystrophy type 2J. Last evaluated: 2018-01-12. Review status: criteria provided, single submitter. Criteria: ICSL Variant Classification Criteria 13 December 2019. Collection method: clinical testing. Allele origin: germline.

Illumina Laboratory Services, Illumina
Classification: Uncertain significance for Early-onset myopathy with fatal cardiomyopathy. Last evaluated: 2018-01-12. Review status: criteria provided, single submitter. Criteria: ICSL Variant Classification Criteria 13 December 2019. Collection method: clinical testing. Allele origin: germline.

Eurofins Ntd Llc (ga)
Classification: Benign. Last evaluated: 2016-09-29. Review status: criteria provided, single submitter. Criteria: EGL Classification Definitions 2015. Collection method: clinical testing. Allele origin: germline. Observed: 2 variant alleles, 2 heterozygotes.